The following is an entry in ClinVar:

NM_144997.7(FLCN):c.1237T>A (p.Tyr413Asn)

Gene: FLCN (folliculin; minus strand). Cytogenetic location: 17p11.2.
Variant type: single nucleotide variant.
Coding change: c.1237T>A on transcript NM_144997.7 (MANE Select); coding-DNA position 1237, T replaced by A.
Protein change: p.Tyr413Asn; replaces tyrosine 413 with asparagine.
Molecular consequence: missense variant.
Genome position (GRCh38, 1-based): chr17:17,216,443, A>T on the plus strand (T>A on the coding strand, the complement: FLCN is on the minus strand). VCF-style: chr17-17216443-A-T. GRCh37 (hg19) VCF-style: chr17-17119757-A-T.
Other names: c.1291T>A, p.Tyr431Asn (NM_001353229.2); c.1237T>A, p.Tyr413Asn (NM_001353230.2, NM_001353231.2); short protein forms Y431N, Y413N.
Identifiers: ClinVar variation 2566328 (VCV002566328.2), dbSNP rs2544162914, ClinGen allele CA398531798.

ClinVar aggregate classification (germline): Uncertain significance (1 of 4 stars; one submission).

Conditions:
Hereditary cancer-predisposing syndrome. Also called: Neoplastic Syndromes, Hereditary; Hereditary Cancer Syndrome; Hereditary neoplastic syndrome; Tumor predisposition. Identifiers: Orphanet 140162, MedGen C0027672, MeSH D009386, MONDO:0015356.

Submission:

Ambry Genetics
Classification: Uncertain significance for Hereditary cancer-predisposing syndrome. Last evaluated: 2023-05-22. Review status: criteria provided, single submitter. Criteria: Ambry Variant Classification Scheme 2023. Collection method: clinical testing. Allele origin: germline.
Comment: The p.Y413N variant (also known as c.1237T>A), located in coding exon 8 of the FLCN gene, results from a T to A substitution at nucleotide position 1237. The tyrosine at codon 413 is replaced by asparagine, an amino acid with dissimilar properties. This amino acid position is conserved. In addition, this alteration is predicted to be deleterious by in silico analysis. Since supporting evidence is limited at this time, the clinical significance of this alteration remains unclear.